The following is an entry in ClinVar:

ClinVar aggregate classification (germline): Uncertain significance (1 of 4 stars; one submission).

Submission:

Ambry Genetics
Classification: Uncertain significance. Last evaluated: 2022-09-24. Review status: criteria provided, single submitter. Criteria: Ambry Variant Classification Scheme 2023. Collection method: clinical testing. Allele origin: germline.
Comment: The p.P1081Q variant (also known as c.3242C>A), located in coding exon 16 of the POLQ gene, results from a C to A substitution at nucleotide position 3242. The proline at codon 1081 is replaced by glutamine, an amino acid with similar properties. This amino acid position is conserved. In addition, this alteration is predicted to be tolerated by in silico analysis. Since supporting evidence is limited at this time, the clinical significance of this alteration remains unclear.

NM_199420.4(POLQ):c.3242C>A (p.Pro1081Gln)

Gene: POLQ (DNA polymerase theta; minus strand). Cytogenetic location: 3q13.33.
Variant type: single nucleotide variant.
Coding change: c.3242C>A on transcript NM_199420.4 (MANE Select); coding-DNA position 3242, C replaced by A.
Protein change: p.Pro1081Gln; replaces proline 1081 with glutamine.
Molecular consequence: missense variant.
Genome position (GRCh38, 1-based): chr3:121,489,689, G>T on the plus strand (C>A on the coding strand, the complement: POLQ is on the minus strand). VCF-style: chr3-121489689-G-T. GRCh37 (hg19) VCF-style: chr3-121208536-G-T.
Other names: short protein forms P1081Q.
Identifiers: ClinVar variation 1729314 (VCV001729314.2), dbSNP rs757096202, ClinGen allele CA354101067.